The following is an entry in ClinVar:

NM_000257.4(MYH7):c.3648G>C (p.Lys1216Asn)

Gene: MYH7 (myosin heavy chain 7; minus strand). Cytogenetic location: 14q11.2.
Variant type: single nucleotide variant.
Coding change: c.3648G>C on transcript NM_000257.4 (MANE Select); coding-DNA position 3648, G replaced by C.
Protein change: p.Lys1216Asn; replaces lysine 1216 with asparagine.
Molecular consequence: missense variant.
Genome position (GRCh38, 1-based): chr14:23,419,923, C>G on the plus strand (G>C on the coding strand, the complement: MYH7 is on the minus strand). VCF-style: chr14-23419923-C-G. GRCh37 (hg19) VCF-style: chr14-23889132-C-G.
Other names: c.3648G>C, p.Lys1216Asn (NM_001407004.1); short protein forms K1216N.
Identifiers: ClinVar variation 4809540 (VCV004809540.1).

ClinVar aggregate classification (germline): Uncertain significance (1 of 4 stars; one submission).

Conditions:
Hypertrophic cardiomyopathy. Also called: HYPERTROPHIC MYOCARDIOPATHY. Identifiers: Orphanet 217569, MedGen C0007194, MeSH D002312, MONDO:0005045, HP:0001639.

Submission:

Labcorp Genetics (formerly Invitae), Labcorp
Classification: Uncertain significance for Hypertrophic cardiomyopathy. Last evaluated: 2025-12-08. Review status: criteria provided, single submitter. Criteria: Invitae Variant Classification Sherloc (09022015). Collection method: clinical testing. Allele origin: germline.
Comment: This sequence change replaces lysine, which is basic and polar, with asparagine, which is neutral and polar, at codon 1216 of the MYH7 protein (p.Lys1216Asn). This variant is not present in population databases (gnomAD no frequency). This variant has not been reported in the literature in individuals affected with MYH7-related conditions. Invitae Evidence Modeling of protein sequence and biophysical properties (such as structural, functional, and spatial information, amino acid conservation, physicochemical variation, residue mobility, and thermodynamic stability) indicates that this missense variant is expected to disrupt MYH7 protein function with a positive predictive value of 95%. In summary, the available evidence is currently insufficient to determine the role of this variant in disease. Therefore, it has been classified as a Variant of Uncertain Significance.